The following is an entry in ClinVar:

ClinVar aggregate classification (germline): Benign. Review status: criteria provided, multiple submitters, no conflicts (2 of 4 stars). 3 submissions from 3 submitters: Benign (3). Last evaluated 2024-01-24.

Allele frequency attached by ClinVar (database versions not stated): TOPMed 0.36130; 1000 Genomes Project 0.39921; 1000 Genomes Project 30x 0.41103; gnomAD 0.33352 and 0.33864; ExAC 0.33867; gnomAD exomes 0.20616 and 0.24938.
gnomAD v4.1: 120,218 of 512,948 alleles (23%); highest among the groups gnomAD compares: African/African-American, 75%; 14,775 homozygotes.

Submissions (3):

Unidad de Genómica Garrahan, Hospital de Pediatría Garrahan
Classification: Benign. Last evaluated: 2024-01-24. Review status: criteria provided, single submitter. Criteria: ACMG Guidelines, 2015. Collection method: clinical testing. Allele origin: germline. Affected: no. Observed: 36 variant alleles.
Comment: This variant is classified as Benign based on local population frequency. This variant was detected in 38% of patients studied by a panel of primary immunodeficiencies. Number of patients: 36. Only high quality variants are reported.

Laboratory for Molecular Medicine, Mass General Brigham Personalized Medicine
Classification: Benign. Last evaluated: 2016-03-28. Review status: criteria provided, single submitter. Criteria: LMM Criteria. Collection method: clinical testing. Allele origin: germline.
Comment: Variant identified in a genome or exome case(s) and assessed due to predicted null impact of the variant or pathogenic assertions in the literature or databases. Disclaimer: This variant has not undergone full assessment. The following are preliminary notes: Frequency

Breakthrough Genomics
Classification: Benign. Review status: criteria provided, single submitter. Criteria: ACMG Guidelines, 2015. Collection method: not provided. Allele origin: germline. Inheritance: X-linked inheritance. Affected: yes.

NC_000023.11:g.101390479T>C

Genes: BTK (Bruton tyrosine kinase; minus strand), LOC130068496 (ATAC-STARR-seq lymphoblastoid active region 29810; plus strand). Cytogenetic location: Xq22.1.
Variant type: single nucleotide variant.
Molecular consequence: missense variant (on NM_001287344.2).
Genome position: GRCh38 VCF-style: chrX-101390479-T-C. GRCh37 (hg19) VCF-style: chrX-100645467-T-C.
Other names: c.71A>G, p.Glu24Gly (NM_001287344.2); short protein forms E24G.
Identifiers: ClinVar variation 402436 (VCV000402436.8), dbSNP rs5951308, ClinGen allele CA10473257.
Genomic context (GRCh38, chrX:101,390,479, plus strand): 5'-TTTTCTTCAAAGTACTTAGTTCATAATTGCACATTTATAAGCCTATTAGATTACTGTACC[T>C]CTCCCCCGGAACAGTGCCTGCCACATAATGGGCATCCAATAACCATTTGTTGAATGGACC-3'